The following is an entry in ClinVar:

NM_000297.4(PKD2):c.110del (p.Gly37fs)

Genes: PKD2 (polycystin 2, transient receptor potential cation channel; plus strand), LOC129992813 (ATAC-STARR-seq lymphoblastoid silent region 15559; plus strand). Cytogenetic location: 4q22.1.
Variant type: Deletion.
Coding change: c.110del on transcript NM_000297.4 (MANE Select); coding-DNA position 110, one base deleted (G; older notation c.110delG).
Protein change: p.Gly37fs; shifts the reading frame from glycine 37.
Molecular consequence: frameshift variant. On other transcripts: non-coding transcript variant (1).
Genome position (GRCh38, 1-based): chr4:88,007,843, G deleted; the last of 3 consecutive G bases (chr4:88,007,841-88,007,843); deleting any one gives the same sequence. VCF-style (leftmost placement, unchanged base first): chr4-88007840-TG-T. GRCh37 (hg19) VCF-style: chr4-88928992-TG-T.
Other names: c.110delG (NM_000297.3); short protein forms G37fs.
Identifiers: ClinVar variation 1179063 (VCV001179063.3), dbSNP rs2110080128, ClinGen allele CA923726128.

ClinVar aggregate classification (germline): Pathogenic. Review status: criteria provided, multiple submitters, no conflicts (2 of 4 stars). 2 submissions from 2 submitters: Pathogenic (2). Last evaluated 2021-06-30.

Conditions:
Polycystic kidney disease 2 (PKD2). Also called: POLYCYSTIC KIDNEY DISEASE, ADULT, TYPE II; POLYCYSTIC KIDNEY DISEASE 2 WITH OR WITHOUT POLYCYSTIC LIVER DISEASE; Polycystic Kidney Disease 2, Autosomal Dominant. Identifiers: MedGen C2751306, MONDO:0013131, OMIM 613095.

Submissions (2):

Fulgent Genetics
Classification: Pathogenic for Polycystic kidney disease 2. Last evaluated: 2021-06-30. Review status: criteria provided, single submitter. Criteria: ACMG Guidelines, 2015. Collection method: clinical testing. Allele origin: unknown.
Comment: This variant has been detected in individual(s) who were sent for testing of Renasight - kidney gene panel.

Victorian Clinical Genetics Services, Murdoch Childrens Research Institute
Classification: Pathogenic for Polycystic kidney disease 2. Last evaluated: 2020-05-25. Review status: criteria provided, single submitter. Criteria: ACMG Guidelines, 2015. Collection method: clinical testing. Allele origin: germline. Inheritance: Autosomal dominant inheritance. Affected: yes.
Comment: Based on the classification scheme VCGS_Germline_v1.1.1, this variant is classified as Pathogenic. Following criteria are met: 0102 - Loss-of-function is a known mechanism of disease for this gene. (N) 0107 - This gene is known to be associated with autosomal dominant disease. (N) 0112 - Variants in this gene are known to have reduced penetrance (OMIM). (N) 0201 - Variant is predicted to cause nonsense-mediated decay (NMD) and loss of protein. (P) 0251 - Variant is heterozygous. (N) 0301 - Variant is absent from gnomAD. (P) 0701 - Comparable variants predicted to cause NMD have very strong previous evidence for pathogenicity, >10 NMD variants reported in patient's with autosomal dominant polycystic kidney disease 2 (ClinVar). (P) 0807 - Variant has not previously been reported in a clinical context. (N) 0905 - No segregation evidence has been identified for this variant. (N) 1007 - No published functional evidence has been identified for this variant. (N) 1208 - Inheritance information for this variant is not currently available. (N) Legend: (P) - Pathogenic, (N) - Neutral, (B) - Benign